The following is an entry in ClinVar:

ClinVar aggregate classification (germline): Benign. Review status: criteria provided, multiple submitters, no conflicts (2 of 4 stars). 8 submissions from 6 submitters: Benign (6). 2 of the submissions do not count toward it. Last evaluated 2026-02-02.

Conditions:
Pyruvate dehydrogenase complex deficiency (PDHC). Also called: PYRUVATE DECARBOXYLASE DEFICIENCY; Pyruvate Dehydrogenase Complex Deficiency Disease; Pyruvate dehydrogenase deficiency; Ataxia with lactic acidosis 1; PDH DEFICIENCY. Identifiers: Orphanet 765, Orphanet 79243, MedGen C0034345, MONDO:0019169.
Pyruvate dehydrogenase E3 deficiency (DLDD). Also called: Dihydrolipoamide Dehydrogenase E3 Deficiency; Lipoamide dehydrogenase deficiency; Dihydrolipoamide Dehydrogenase (E3) Deficiency; Dihydrolipoamide Dehydrogenase Deficiency; MAPLE SYRUP URINE DISEASE, TYPE III; DLD DEFICIENCY. Identifiers: Orphanet 2394, Orphanet 765, MedGen C5574660, MONDO:0009529, OMIM 246900.
Leigh syndrome (NULS). Also called: LEIGH SYNDROME, NUCLEAR; Leigh's syndrome; Leigh Syndrome (mtDNA deletion); Leigh Disease; Subacute necrotizing encephalopathy; Necrotizing encephalopathy infantile subacute of Leigh. Identifiers: Orphanet 506, MedGen C2931891, MONDO:0009723, OMIM 256000.

Allele frequency attached by ClinVar (database versions not stated): gnomAD exomes 0.00078 and 0.00219; ExAC 0.00281; gnomAD 0.00882 and 0.00944; TOPMed 0.00946; 1000 Genomes Project 0.01038; ESP Exome Variant Server 0.01046; 1000 Genomes Project 30x 0.01187.
gnomAD v4.1: 2,515 of 1,613,872 alleles (0.16%); highest among the groups gnomAD compares: African/African-American, 3%; 38 homozygotes.

Submissions (8):

Labcorp Genetics (formerly Invitae), Labcorp
Classification: Benign for Pyruvate dehydrogenase E3 deficiency. Last evaluated: 2026-02-02. Review status: criteria provided, single submitter. Criteria: Invitae Variant Classification Sherloc (09022015). Collection method: clinical testing. Allele origin: germline.

Illumina Laboratory Services, Illumina
Classification: Benign for Pyruvate dehydrogenase complex deficiency. Last evaluated: 2018-01-13. Review status: criteria provided, single submitter. Criteria: ICSL Variant Classification Criteria 13 December 2019. Collection method: clinical testing. Allele origin: germline.
Comment: This variant was observed in the ICSL laboratory as part of a predisposition screen in an ostensibly healthy population. It had not been previously curated by ICSL or reported in the Human Gene Mutation Database (HGMD: prior to June 1st, 2018), and was therefore a candidate for classification through an automated scoring system. Utilizing variant allele frequency, disease prevalence and penetrance estimates, and inheritance mode, an automated score was calculated to assess if this variant is too frequent to cause the disease. Based on the score and internal cut-off values, a variant classified as benign is not then subjected to further curation. The score for this variant resulted in a classification of benign for this disease.

Illumina Laboratory Services, Illumina
Classification: Benign for Pyruvate dehydrogenase E3 deficiency. Last evaluated: 2018-01-13. Review status: criteria provided, single submitter. Criteria: ICSL Variant Classification Criteria 13 December 2019. Collection method: clinical testing. Allele origin: germline.
Comment: the same text as in the submission from Illumina Laboratory Services, Illumina above.

Illumina Laboratory Services, Illumina
Classification: Benign for Leigh syndrome. Last evaluated: 2018-01-13. Review status: criteria provided, single submitter. Criteria: ICSL Variant Classification Criteria 13 December 2019. Collection method: clinical testing. Allele origin: germline.
Comment: the same text as in the submission from Illumina Laboratory Services, Illumina above.

GeneDx
Classification: Benign. Last evaluated: 2011-07-27. Review status: criteria provided, single submitter. Criteria: GeneDx Variant Classification (06012015). Collection method: clinical testing. Allele origin: germline. Affected: yes.
Comment: This variant is considered likely benign or benign based on one or more of the following criteria: it is a conservative change, it occurs at a poorly conserved position in the protein, it is predicted to be benign by multiple in silico algorithms, and/or has population frequency not consistent with disease.

Breakthrough Genomics
Classification: Benign. Review status: criteria provided, single submitter. Criteria: ACMG Guidelines, 2015. Collection method: not provided. Allele origin: germline. Inheritance: Autosomal recessive inheritance. Affected: yes.

Natera, Inc.
Classification: Benign for Maple syrup urine disease type 3. Last evaluated: 2020-09-16. Review status: no assertion criteria provided. Collection method: clinical testing. Allele origin: germline. Not counted in ClinVar's aggregate classification.

Mayo Clinic Laboratories, Mayo Clinic
Classification: Likely benign. Last evaluated: 2016-03-16. Review status: no assertion criteria provided. Collection method: clinical testing. Allele origin: unknown. Not counted in ClinVar's aggregate classification.

NM_000108.5(DLD):c.777A>G (p.Lys259=)

Gene: DLD (dihydrolipoamide dehydrogenase; plus strand). Cytogenetic location: 7q31.1.
Variant type: single nucleotide variant.
Coding change: c.777A>G on transcript NM_000108.5 (MANE Select); coding-DNA position 777, A replaced by G.
Protein change: p.Lys259=; no amino-acid change (lysine 259 retained).
Molecular consequence: synonymous variant.
Genome position (GRCh38, 1-based): chr7:107,915,598, A>G. VCF-style: chr7-107915598-A-G. GRCh37 (hg19) VCF-style: chr7-107556043-A-G.
Other names: p.K259K:AAA>AAG; c.480A>G, p.Lys160= (NM_001289750.1); c.708A>G, p.Lys236= (NM_001289751.1); c.633A>G, p.Lys211= (NM_001289752.1).
Identifiers: ClinVar variation 137098 (VCV000137098.21), dbSNP rs1065762, ClinGen allele CA290608.